The following is an entry in ClinVar:

ClinVar aggregate classification (germline): Likely benign. Review status: criteria provided, multiple submitters, no conflicts (2 of 4 stars). 2 submissions from 2 submitters: Likely benign (2). Last evaluated 2025-09-22.

Allele frequency attached by ClinVar (database versions not stated): gnomAD 0.00008; gnomAD exomes 0.00009; TOPMed 0.00009; ExAC 0.00016.
gnomAD v4.1: 142 of 1,610,304 alleles (0.0088%); highest among the groups gnomAD compares: Non-Finnish European, 0.011%; no homozygotes.

Submissions (2):

Labcorp Genetics (formerly Invitae), Labcorp
Classification: Likely benign. Last evaluated: 2025-09-22. Review status: criteria provided, single submitter. Criteria: Invitae Variant Classification Sherloc (09022015). Collection method: clinical testing. Allele origin: germline.

CeGaT Center for Human Genetics Tuebingen
Classification: Likely benign. Last evaluated: 2025-05-01. Review status: criteria provided, single submitter. Criteria: CeGaT Center For Human Genetics Tuebingen Variant Classification Criteria Version 2. Collection method: clinical testing. Allele origin: germline. Affected: yes. Observed: 1 variant allele.
Comment: DHODH: BP4, BP7

NM_001361.5(DHODH):c.582C>T (p.Tyr194=)

Gene: DHODH (dihydroorotate dehydrogenase (quinone); plus strand). Cytogenetic location: 16q22.2.
Variant type: single nucleotide variant.
Coding change: c.582C>T on transcript NM_001361.5 (MANE Select); coding-DNA position 582, C replaced by T.
Protein change: p.Tyr194=; no amino-acid change (tyrosine 194 retained).
Molecular consequence: synonymous variant.
Genome position (GRCh38, 1-based): chr16:72,021,188, C>T. VCF-style: chr16-72021188-C-T. GRCh37 (hg19) VCF-style: chr16-72055087-C-T.
Identifiers: ClinVar variation 2711756 (VCV002711756.13), dbSNP rs777478366, ClinGen allele CA8158699.
Genomic context (GRCh38, chr16:72,021,188, plus strand): 5'-ACTGCCTCTGGGGGTCAACTTGGGGAAGAACAAGACCTCAGTGGACGCCGCGGAGGACTA[C>T]GCAGAAGGGGTGCGCGTACTGGGCCCCCTGGCCGACTACCTGGTGGTGAATGTGTCCAGC-3'
Protein context (NP_001352.2, residues 184-204): NKTSVDAAED[Tyr194=]AEGVRVLGPL